The following is an entry in ClinVar:

ClinVar aggregate classification (germline): Uncertain significance (1 of 4 stars; one submission).

Conditions:
Inborn genetic diseases. Identifiers: MedGen C0950123, MeSH D030342.

Submission:

Ambry Genetics
Classification: Uncertain significance for Inborn genetic diseases. Last evaluated: 2024-10-02. Review status: criteria provided, single submitter. Criteria: Ambry Variant Classification Scheme 2023. Collection method: clinical testing. Allele origin: germline.
Comment: The c.2764G>C (p.E922Q) alteration is located in exon 22 (coding exon 21) of the CHD2 gene. This alteration results from a G to C substitution at nucleotide position 2764, causing the glutamic acid (E) at amino acid position 922 to be replaced by a glutamine (Q). This variant was not reported in population-based cohorts in the Genome Aggregation Database (gnomAD). This amino acid position is highly conserved in available vertebrate species. This missense alteration is located in a region that has a low rate of benign missense variation (Lek, 2016; Firth, 2009). This alteration is predicted to be deleterious by in silico analysis. Based on insufficient or conflicting evidence, the clinical significance of this alteration remains unclear.

NM_001271.4(CHD2):c.2764G>C (p.Glu922Gln)

Gene: CHD2 (chromodomain helicase DNA binding protein 2; plus strand). Cytogenetic location: 15q26.1.
Variant type: single nucleotide variant.
Coding change: c.2764G>C on transcript NM_001271.4 (MANE Select); coding-DNA position 2764, G replaced by C.
Protein change: p.Glu922Gln; replaces glutamic acid 922 with glutamine.
Molecular consequence: missense variant.
Genome position (GRCh38, 1-based): chr15:92,979,171, G>C. VCF-style: chr15-92979171-G-C. GRCh37 (hg19) VCF-style: chr15-93522401-G-C.
Other names: short protein forms E922Q.
Identifiers: ClinVar variation 3491935 (VCV003491935.1).